The following is an entry in ClinVar:

NM_178857.6(RP1L1):c.3303C>G (p.Pro1101=)

Gene: RP1L1 (RP1 like 1). Cytogenetic location: 8p23.1.
Variant type: single nucleotide variant.
Coding change: c.3303C>G on transcript NM_178857.6 (MANE Select); coding-DNA position 3303, C replaced by G.
Protein change: p.Pro1101=; no amino-acid change (proline 1101 retained).
Molecular consequence: synonymous variant.
Genome position (GRCh38, 1-based): chr8:10,610,795, G>C on the plus strand (C>G on the coding strand, the complement: RP1L1 is on the minus strand). VCF-style: chr8-10610795-G-C. GRCh37 (hg19) VCF-style: chr8-10468305-G-C.
Identifiers: ClinVar variation 361315 (VCV000361315.36), dbSNP rs374612639, ClinGen allele CA4624525.

ClinVar aggregate classification (germline): Benign/Likely benign. Review status: criteria provided, multiple submitters, no conflicts (2 of 4 stars). 4 submissions from 4 submitters: Benign (2); Likely benign (2). Last evaluated 2026-07-01.

Conditions:
Occult macular dystrophy (OCMD). Also called: OCCULT MACULAR DYSTROPHY, SUSCEPTIBILITY TO; OMD. Identifiers: Orphanet 247834, MedGen C3150833, MONDO:0013316, OMIM 613587, HP:0030636.

Allele frequency attached by ClinVar (database versions not stated): 1000 Genomes Project 0.00040; 1000 Genomes Project 30x 0.00047; TOPMed 0.00067; ESP Exome Variant Server 0.00074.

Submissions (4):

CeGaT Center for Human Genetics Tuebingen
Classification: Likely benign. Last evaluated: 2026-07-01. Review status: criteria provided, single submitter. Criteria: CeGaT Center For Human Genetics Tuebingen Variant Classification Criteria Version 2. Collection method: clinical testing. Allele origin: germline. Affected: yes. Observed: 6 variant alleles.
Comment: RP1L1: BP4, BP7

Blueprint Genetics
Classification: Likely benign. Last evaluated: 2024-09-17. Review status: criteria provided, single submitter. Criteria: ACMG Guidelines, 2015. Collection method: clinical testing. Allele origin: germline.

Illumina Laboratory Services, Illumina
Classification: Benign for Occult macular dystrophy. Last evaluated: 2018-01-13. Review status: criteria provided, single submitter. Criteria: ICSL Variant Classification Criteria 13 December 2019. Collection method: clinical testing. Allele origin: germline.
Comment: This variant was observed in the ICSL laboratory as part of a predisposition screen in an ostensibly healthy population. It had not been previously curated by ICSL or reported in the Human Gene Mutation Database (HGMD: prior to June 1st, 2018), and was therefore a candidate for classification through an automated scoring system. Utilizing variant allele frequency, disease prevalence and penetrance estimates, and inheritance mode, an automated score was calculated to assess if this variant is too frequent to cause the disease. Based on the score and internal cut-off values, a variant classified as benign is not then subjected to further curation. The score for this variant resulted in a classification of benign for this disease.

Breakthrough Genomics
Classification: Benign. Review status: criteria provided, single submitter. Criteria: ACMG Guidelines, 2015. Collection method: not provided. Allele origin: germline. Inheritance: Autosomal recessive inheritance. Affected: yes.